The following is an entry in ClinVar:

NM_032043.3(BRIP1):c.2486T>C (p.Leu829Pro)

Gene: BRIP1 (BRCA1 interacting DNA helicase 1; minus strand). Cytogenetic location: 17q23.2.
Variant type: single nucleotide variant.
Coding change: c.2486T>C on transcript NM_032043.3 (MANE Select); coding-DNA position 2486, T replaced by C.
Protein change: p.Leu829Pro; replaces leucine 829 with proline.
Molecular consequence: missense variant.
Genome position (GRCh38, 1-based): chr17:61,715,957, A>G on the plus strand (T>C on the coding strand, the complement: BRIP1 is on the minus strand). VCF-style: chr17-61715957-A-G. GRCh37 (hg19) VCF-style: chr17-59793318-A-G.
Other names: short protein forms L829P.
Identifiers: ClinVar variation 1791992 (VCV001791992.3), dbSNP rs2144379102, ClinGen allele CA400479398.
Genomic context (GRCh38, chr17:61,715,957, plus strand): 5'-TTATATATATAGCCCTGTCACAGATAATATTATATTAAATTTCACTCCACTTACCTACCA[A>G]GGGCCTGGTTTAAGGCCCTGTATGCTTGAATTTCATACCACTGACGGCCAGGTAGAAGAC-3'
Protein context (NP_114432.2, residues 819-839): IQAYRALNQA[Leu829Pro]GRCIRHRNDW

ClinVar aggregate classification (germline): Uncertain significance (1 of 4 stars; one submission).

Conditions:
Hereditary cancer-predisposing syndrome. Also called: Hereditary Cancer Syndrome; Hereditary neoplastic syndrome; Tumor predisposition; Neoplastic Syndromes, Hereditary. Identifiers: Orphanet 140162, MedGen C0027672, MeSH D009386, MONDO:0015356.

Submission:

Ambry Genetics
Classification: Uncertain significance for Hereditary cancer-predisposing syndrome. Last evaluated: 2025-02-14. Review status: criteria provided, single submitter. Criteria: Ambry Variant Classification Scheme 2023. Collection method: clinical testing. Allele origin: germline.
Comment: The p.L829P variant (also known as c.2486T>C), located in coding exon 16 of the BRIP1 gene, results from a T to C substitution at nucleotide position 2486. The leucine at codon 829 is replaced by proline, an amino acid with similar properties. This amino acid position is highly conserved in available vertebrate species. In addition, this alteration is predicted to be deleterious by in silico analysis. Based on the available evidence, the clinical significance of this variant remains unclear.